The following is an entry in ClinVar:

ClinVar aggregate classification (germline): Pathogenic (1 of 4 stars; one submission).

Conditions:
Usher syndrome type 1 (USH1). Also called: RETINITIS PIGMENTOSA AND CONGENITAL DEAFNESS. Identifiers: Orphanet 231169, Orphanet 886, MedGen C1568247, MONDO:0010168, OMIM 276900.

gnomAD v4.1: 1 of 1,613,542 alleles (0.000062%); highest among the groups gnomAD compares: Non-Finnish European, 0.000085%; no homozygotes.

Submission:

Myriad Genetics, Inc.
Classification: Pathogenic for Usher syndrome type 1. Last evaluated: 2024-04-26. Review status: criteria provided, single submitter. Criteria: Myriad Autosomal Dominant, Autosomal Recessive and X-Linked Classification Criteria (2023). Collection method: clinical testing. Allele origin: unknown.
Comment: NM_000260.3(MYO7A):c.5614C>T(Q1872*) is expected to be pathogenic in the context of MYO7A-related disorders. This variant is predicted to lead to an abnormal or absent protein product due to the creation of a premature termination codon in MYO7A, a gene where loss-of-function variants are known to be pathogenic. Please note: this variant was assessed in the context of healthy population screening.

NM_000260.4(MYO7A):c.5614C>T (p.Gln1872Ter)

Gene: MYO7A (myosin VIIA; plus strand). Cytogenetic location: 11q13.5.
Variant type: single nucleotide variant.
Coding change: c.5614C>T on transcript NM_000260.4 (MANE Select); coding-DNA position 5614, C replaced by T.
Protein change: p.Gln1872Ter; replaces glutamine 1872 with a stop codon.
Molecular consequence: nonsense.
Genome position (GRCh38, 1-based): chr11:77,205,595, C>T. VCF-style: chr11-77205595-C-T. GRCh37 (hg19) VCF-style: chr11-76916640-C-T.
Other names: c.5500C>T, p.Gln1834Ter (NM_001127180.2); c.5467C>T, p.Gln1823Ter (NM_001369365.1); short protein forms Q1823*, Q1834*, Q1872*.
Identifiers: ClinVar variation 5012963 (VCV005012963.1).
Genomic context (GRCh38, chr11:77,205,595, plus strand): 5'-CCCCACGTGCAGCGCTTCCTGCAGTCCCGAAAGCACTGCCCACTCGCCATCGACTGCCTG[C>T]AACGGCTCCAGAAAGCCCTGAGGTACAGCGGCCACCAGGGGCAGGGACAGACACTGGGGC-3'